The following is an entry in ClinVar:

ClinVar aggregate classification (germline): Conflicting classifications of pathogenicity. Review status: criteria provided, conflicting classifications (1 of 4 stars). 7 submissions from 7 submitters: Uncertain significance (2); Benign (2); Likely benign (1). 2 of the submissions do not count toward it. Last evaluated 2025-09-15.

Conditions:
Paroxysmal nonkinesigenic dyskinesia. Also called: Paroxysmal non-kinesigenic dyskinesia. Identifiers: Orphanet 98810, MedGen C1869117, MONDO:0700088.
Paroxysmal nonkinesigenic dyskinesia 1 (PNKD1). Also called: Nonkinesigenic choreoathetosis; Familial paroxysmal choreoathetosis; MOUNT-REBACK SYNDROME; Familial Paroxysmal Nonkinesigenic Dyskinesia; PxMD-PNKD; DYSTONIA 8. Identifiers: Orphanet 98810, MedGen C4551506, MONDO:0700089, OMIM 118800, MONDO:0007326.

Allele frequency attached by ClinVar (database versions not stated): TOPMed below 0.00001; gnomAD 0.00001 and 0.00015; 1000 Genomes Project 30x 0.00016; 1000 Genomes Project 0.00020; gnomAD exomes 0.00032.
gnomAD v4.1: 488 of 1,613,830 alleles (0.03%); highest among the groups gnomAD compares: South Asian, 0.51%; 8 homozygotes.

Submissions (7):

Labcorp Genetics (formerly Invitae), Labcorp
Classification: Benign for Paroxysmal nonkinesigenic dyskinesia. Last evaluated: 2025-09-15. Review status: criteria provided, single submitter. Criteria: Invitae Variant Classification Sherloc (09022015). Collection method: clinical testing. Allele origin: germline.

Blueprint Genetics
Classification: Likely benign. Last evaluated: 2024-11-18. Review status: criteria provided, single submitter. Criteria: ACMG Guidelines, 2015. Collection method: clinical testing. Allele origin: germline.

CeGaT Center for Human Genetics Tuebingen
Classification: Benign. Last evaluated: 2024-11-01. Review status: criteria provided, single submitter. Criteria: CeGaT Center For Human Genetics Tuebingen Variant Classification Criteria Version 2. Collection method: clinical testing. Allele origin: germline. Affected: yes. Observed: 1 variant allele.
Comment: PNKD: BS1, BS2

Genomic Medicine Center of Excellence, King Faisal Specialist Hospital and Research Centre
Classification: Uncertain significance for Paroxysmal nonkinesigenic dyskinesia 1. Last evaluated: 2024-09-22. Review status: criteria provided, single submitter. Criteria: ACMG Guidelines, 2015. Collection method: clinical testing. Allele origin: germline.

Center for Genomics, Ann and Robert H. Lurie Children's Hospital of Chicago
Classification: Uncertain significance for Paroxysmal nonkinesigenic dyskinesia 1. Last evaluated: 2022-04-14. Review status: criteria provided, single submitter. Criteria: ACMG Guidelines, 2015. Collection method: clinical testing. Allele origin: germline.
Comment: This variant has been reported in the literature in 2 individuals: 1 individual with paroxysmal non-kinesigenic dyskinesia and 1 individual with progressive non-paroxysmal chorea and foot dystonia (Ghezzi 2009 PMID:19124534, Pandey 2018 PMID:30174277). This variant is present in the Genome Aggregation Database (Highest reported MAF 0.4% (143/30616) including 3 homozygotes. This variant is present in ClinVar (Variation ID:1894). Evolutionary conservation for this variant is unclear; computational predictive tools suggest that this variant may not impact the protein. In vitro functional studies suggest that this variant will impact the protein and decrease protein stability (Ghezzi 2009 PMID:19124534, Shen 2011 PMID:21487022). However, these studies may not accurately represent in vivo biological function. In summary, data on this variant is insufficient for disease classification. Therefore, the clinical significance of this variant is uncertain.

OMIM
Classification: Pathogenic for PAROXYSMAL NONKINESIGENIC DYSKINESIA 1. Last evaluated: 2009-03-15. Review status: no assertion criteria provided. Collection method: literature only. Allele origin: germline. Not counted in ClinVar's aggregate classification.

GeneReviews
No classification provided. Condition: Paroxysmal nonkinesigenic dyskinesia 1. Review status: no classification provided. Collection method: literature only. Allele origin: germline. Not counted in ClinVar's aggregate classification.

Literature cited by the submitters: PubMed 19124534 (cited by OMIM); NCBI Bookshelf NBK1221 (cited by GeneReviews); PubMed 20301400 (cited by GeneReviews).

NM_015488.5(PNKD):c.97G>C (p.Ala33Pro)

Gene: PNKD (PNKD metallo-beta-lactamase domain containing; plus strand). Cytogenetic location: 2q35.
Variant type: single nucleotide variant.
Coding change: c.97G>C on transcript NM_015488.5 (MANE Select); coding-DNA position 97, G replaced by C.
Protein change: p.Ala33Pro; replaces alanine 33 with proline.
Molecular consequence: missense variant.
Genome position (GRCh38, 1-based): chr2:218,271,410, G>C. VCF-style: chr2-218271410-G-C. GRCh37 (hg19) VCF-style: chr2-219136133-G-C.
Other names: c.97G>C, p.Ala33Pro (NM_001077399.3); short protein forms A33P.
Identifiers: ClinVar variation 1894 (VCV000001894.31), dbSNP rs121434513, ClinGen allele CA251964.
Genomic context (GRCh38, chr2:218,271,410, plus strand): 5'-TCTTACTGACCTTCCTTACCTCCATCCACAGGGATTCTCGCAGGAGCCACAGCTAACAAG[G>C]CTTCTCATAACAGGACCCGGGCCCTGCAAAGCCACAGCTCCCCAGAGGGCAAGGAGGAAC-3'
Protein context (NP_056303.3, residues 23-43): GILAGATANK[Ala33Pro]SHNRTRALQS